The following is an entry in ClinVar:

ClinVar aggregate classification (germline): Uncertain significance (1 of 4 stars; one submission).

Conditions:
Developmental and epileptic encephalopathy, 12 (DEE12). Identifiers: MedGen C3150988, MONDO:0013389, OMIM 613722.

Allele frequency attached by ClinVar (database versions not stated): gnomAD exomes below 0.00001.
gnomAD v4.1: 1 of 1,605,290 alleles (0.000062%); highest among the groups gnomAD compares: Admixed American, 0.0017%; no homozygotes.

Submission:

Labcorp Genetics (formerly Invitae), Labcorp
Classification: Uncertain significance for Developmental and epileptic encephalopathy, 12. Last evaluated: 2018-11-01. Review status: criteria provided, single submitter. Criteria: Invitae Variant Classification Sherloc (09022015). Collection method: clinical testing. Allele origin: germline.
Comment: In summary, the available evidence is currently insufficient to determine the role of this variant in disease. Therefore, it has been classified as a Variant of Uncertain Significance. Algorithms developed to predict the effect of sequence changes on RNA splicing suggest that this variant may disrupt the consensus splice site, but this prediction has not been confirmed by published transcriptional studies. Algorithms developed to predict the effect of missense changes on protein structure and function (SIFT, PolyPhen-2, Align-GVGD) all suggest that this variant is likely to be tolerated, but these predictions have not been confirmed by published functional studies and their clinical significance is uncertain. This variant has not been reported in the literature in individuals with PLCB1-related disease. This variant is not present in population databases (ExAC no frequency). This sequence change replaces glutamic acid with aspartic acid at codon 588 of the PLCB1 protein (p.Glu588Asp). The glutamic acid residue is moderately conserved and there is a small physicochemical difference between glutamic acid and aspartic acid.

NM_015192.4(PLCB1):c.1764A>T (p.Glu588Asp)

Gene: PLCB1 (phospholipase C beta 1; plus strand). Cytogenetic location: 20p12.3.
Variant type: single nucleotide variant.
Coding change: c.1764A>T on transcript NM_015192.4 (MANE Select); coding-DNA position 1764, A replaced by T.
Protein change: p.Glu588Asp; replaces glutamic acid 588 with aspartic acid.
Molecular consequence: missense variant.
Genome position (GRCh38, 1-based): chr20:8,729,050, A>T. VCF-style: chr20-8729050-A-T. GRCh37 (hg19) VCF-style: chr20-8709697-A-T.
Other names: c.1764A>T, p.Glu588Asp (NM_182734.3); short protein forms E588D.
Identifiers: ClinVar variation 538901 (VCV000538901.10), dbSNP rs1334933670, ClinGen allele CA408204281.